The following is an entry in ClinVar:

ClinVar aggregate classification (germline): Benign/Likely benign. Review status: criteria provided, multiple submitters, no conflicts (2 of 4 stars). 11 submissions from 11 submitters: Benign (5); Likely benign (2). 4 of the submissions do not count toward it. Last evaluated 2026-09-01.

Conditions:
AIRE-related disorder. Also called: AIRE-related condition.
Polyglandular autoimmune syndrome, type 1 (APS1). Also called: Autoimmune polyendocrine syndrome type 1; Autoimmune polyendocrinopathy syndrome, type I; Autoimmune polyendocrinopathy syndrome , type I, with or without reversible metaphyseal dysplasia; AUTOIMMUNE POLYENDOCRINE SYNDROME, TYPE I, WITH OR WITHOUT REVERSIBLE METAPHYSEAL DYSPLASIA; APS I; HYPOADRENOCORTICISM WITH HYPOPARATHYROIDISM AND SUPERFICIAL MONILIASIS. Identifiers: Orphanet 3453, MedGen C0085859, MONDO:0009411, OMIM 240300.

Allele frequency attached by ClinVar (database versions not stated): gnomAD 0.00158 and 0.00184; TOPMed 0.00185; 1000 Genomes Project 30x 0.00234; 1000 Genomes Project 0.00220; gnomAD exomes 0.00296 and 0.00288; ExAC 0.00309; ESP Exome Variant Server 0.00154.
gnomAD v4.1: 4,600 of 1,610,980 alleles (0.29%); highest among the groups gnomAD compares: South Asian, 0.93%; 20 homozygotes.

Submissions (11):

CeGaT Center for Human Genetics Tuebingen
Classification: Likely benign. Last evaluated: 2026-09-01. Review status: criteria provided, single submitter. Criteria: CeGaT Center For Human Genetics Tuebingen Variant Classification Criteria Version 2. Collection method: clinical testing. Allele origin: germline. Affected: yes. Observed: 8 variant alleles.
Comment: AIRE: BP4, BS2

Labcorp Genetics (formerly Invitae), Labcorp
Classification: Benign for Polyglandular autoimmune syndrome, type 1. Last evaluated: 2026-02-04. Review status: criteria provided, single submitter. Criteria: Invitae Variant Classification Sherloc (09022015). Collection method: clinical testing. Allele origin: germline.

Blueprint Genetics
Classification: Likely benign. Last evaluated: 2024-11-27. Review status: criteria provided, single submitter. Criteria: ACMG Guidelines, 2015. Collection method: clinical testing. Allele origin: germline.

Mayo Clinic Laboratories, Mayo Clinic
Classification: Benign. Last evaluated: 2023-11-15. Review status: criteria provided, single submitter. Criteria: ACMG Guidelines, 2015. Collection method: clinical testing. Allele origin: germline. Observed: 5 variant alleles.
Comment: BS1, BS2, BP4, BP7

Women's Health and Genetics/Laboratory Corporation of America, LabCorp
Classification: Benign. Last evaluated: 2018-06-26. Review status: criteria provided, single submitter. Criteria: LabCorp Variant Classification Summary - May 2015. Collection method: clinical testing. Allele origin: germline.
Comment: Variant summary: AIRE c.1567-5C>T alters a non-conserved nucleotide located close to a canonical splice site and therefore could affect mRNA splicing, leading to a significantly altered protein sequence. 4/5 computational tools predict no significant impact on normal splicing. However, these predictions have yet to be confirmed by functional studies. The variant allele was found at a frequency of 0.0027 in 274874 control chromosomes, predominantly at a frequency of 0.0095 within the South Asian subpopulation in the gnomAD database, including 5 homozygotes. The observed variant frequency within South Asian control individuals in the gnomAD database is approximately 3-folds higher than the estimated maximal expected allele frequency for a pathogenic variant in AIRE causing Autoimmune Polyglandular Syndrome Type 1 phenotype (0.0028), strongly suggesting that the variant is a benign polymorphism found primarily in populations of South Asian origin. To our knowledge, no occurrence of c.1567-5C>T in individuals affected with Autoimmune Polyglandular Syndrome Type 1 and no experimental evidence demonstrating its impact on protein function have been reported. Two ClinVar submissions from clinical diagnostic laboratories (evaluation after 2014) cites the variant as "benign." Based on the evidence outlined above, the variant was classified as benign.

Eurofins Ntd Llc (ga)
Classification: Benign. Last evaluated: 2016-08-29. Review status: criteria provided, single submitter. Criteria: EGL Classification Definitions 2015. Collection method: clinical testing. Allele origin: germline. Observed: 1 variant allele, 1 heterozygote.

GeneDx
Classification: Benign. Last evaluated: 2015-03-03. Review status: criteria provided, single submitter. Criteria: GeneDx Variant Classification Process June 2021. Collection method: clinical testing. Allele origin: germline. Affected: yes.

PreventionGenetics, part of Exact Sciences
Classification: Benign for AIRE-related condition. Last evaluated: 2021-12-20. Review status: no assertion criteria provided. Collection method: clinical testing. Allele origin: germline. Not counted in ClinVar's aggregate classification.
Comment: This variant is classified as benign based on ACMG/AMP sequence variant interpretation guidelines (Richards et al. 2015 PMID: 25741868, with internal and published modifications).

Natera, Inc.
Classification: Benign for Polyglandular autoimmune syndrome type 1. Last evaluated: 2020-09-16. Review status: no assertion criteria provided. Collection method: clinical testing. Allele origin: germline. Not counted in ClinVar's aggregate classification.

Clinical Genetics DNA and cytogenetics Diagnostics Lab, Erasmus MC, Erasmus Medical Center
Classification: Likely benign. Review status: no assertion criteria provided. Collection method: clinical testing. Allele origin: germline. Affected: yes. Study: VKGL Data-share Consensus. Not counted in ClinVar's aggregate classification.

Genome Diagnostics Laboratory, University Medical Center Utrecht
Classification: Likely benign. Review status: no assertion criteria provided. Collection method: clinical testing. Allele origin: germline. Affected: yes. Study: VKGL Data-share Consensus. Not counted in ClinVar's aggregate classification.

NM_000383.4(AIRE):c.1567-5C>T

Gene: AIRE (autoimmune regulator; plus strand). Cytogenetic location: 21q22.3.
Variant type: single nucleotide variant.
Coding change: c.1567-5C>T on transcript NM_000383.4 (MANE Select); 5 bases into the intron before coding-DNA position 1567, C replaced by T.
Molecular consequence: intron variant.
Genome position (GRCh38, 1-based): chr21:44,297,651, C>T. VCF-style: chr21-44297651-C-T. GRCh37 (hg19) VCF-style: chr21-45717534-C-T.
Other names: p.?.
Identifiers: ClinVar variation 35662 (VCV000035662.65), dbSNP rs192215705, ClinGen allele CA213502.
Genomic context (GRCh38, chr21:44,297,651, plus strand): 5'-GGCCATGATTCTGTGGCTGCGGCGGGGGCGCACCTGGAGGTTCTCACCGTCACTCTGTCC[C>T]GCAGCACACCTTCGATGGCATCCTGCAGTGGGCCATCCAGAGCATGGCCCGTCCGGCGGC-3'